The following continues an entry in ClinVar:

NM_000256.3(MYBPC3):c.772G>A (p.Glu258Lys)

Gene: MYBPC3. ClinVar aggregate classification (germline): Pathogenic/Likely pathogenic. Pathogenic (35); Likely pathogenic (1).

Submissions 20 to 33 of 40:

Fulgent Genetics
Classification: Pathogenic for Hypertrophic cardiomyopathy 4; Left ventricular noncompaction 10. Last evaluated: 2022-01-05. Review status: criteria provided, single submitter. Criteria: ACMG Guidelines, 2015. Collection method: clinical testing. Allele origin: unknown.

3billion
Classification: Pathogenic for Hypertrophic cardiomyopathy 4. Last evaluated: 2022-01-03. Review status: criteria provided, single submitter. Criteria: ACMG Guidelines, 2015. Collection method: clinical testing. Allele origin: germline. Affected: yes. Observed: 1 heterozygote.
Comment: Missense variant: previously reported to alter splicing and result in a loss of normal protein fucnction through nonsense-mediated decay (NMD) or protein truncation (PMID: 25031304, PVS!_VS). It is observed at an extremely low frequency in the gnomAD v2.1.1 dataset (total allele frequency: 0.000022, PM2_M). Same nucleotide change resulting in same amino acid change has been previously reported as pathogenic/likely pathogenic with strong evidence (ClinVar ID: VCV000042792). Therefore, this variant is classified as pathogenic according to the recommendation of ACMG/AMP guideline.

Mayo Clinic Laboratories, Mayo Clinic
Classification: Pathogenic. Last evaluated: 2021-04-06. Review status: criteria provided, single submitter. Criteria: ACMG Guidelines, 2015. Collection method: clinical testing. Allele origin: germline.
Comment: PS3, PS4, PP1, PP3

Loeys Lab, Universiteit Antwerpen
Classification: Pathogenic for Hypertrophic cardiomyopathy. Last evaluated: 2021-02-26. Review status: criteria provided, single submitter. Criteria: ACMG Guidelines, 2015. Collection method: clinical testing. Allele origin: somatic. Affected: yes. Observed: 1 variant allele, 1 heterozygote.
Comment: This sequence change results in a missense variant in the MYBPC3 gene (p.(Glu258Lys)). This variant is present in population databases (GnomAD 6/272910). This variant has been reported in the literature in several unrelated individuals/families with HCM and cosegregated with disease (PP1) (PMID: 9562578; PMID: 12951062; PMID: 15519027; PMID: 12707239; PMID: 16858239). It was identified as a common variant among HCM patients in Italy (21% of the cases studied) (PMID: 18533079) (PS4). The variant affects a highly conserved position and alters the last base of exon 6, leading to skipping of exon 6. In cardiac tissue of HCM patients carrying the variant, no missense transcript was detected, indicating that the variant resulted in truncating mutant transcripts. These transcript however, did not result in any detectable truncated protein, since only wild-type protein was detected (PMID: 25031304). In neonatal rat cardiomyocytes it was shown that the truncated transcript underwent degradation by the ubiquitin-proteasome system ( PMID: 15769446) (PVS1). In murine a-engineered cardiac tissue the variant resulted in accelerated contractile kinetics, disruption of twitch force and absence of the interaction between cMyBP-C and myosin heavy chain sub-fragment 2 (PMID: 23980194) (PS3). In a knock-in mouse model homozygous mice showed left ventricular hypertrophy, reduced fractional shortening, and interstitial fibrosis; heterozygotes had no major phenotype.(PMID: 19590044). In conclusion this variant was classified as a pathogenic variant according to ACMG-guidelines (PVS1; PP1; PS4;PS3).

Centre for Mendelian Genomics, University Medical Centre Ljubljana
Classification: Pathogenic for Hypertrophic cardiomyopathy 4. Last evaluated: 2020-02-26. Review status: criteria provided, single submitter. Criteria: ACMG Guidelines, 2015. Collection method: clinical testing. Allele origin: unknown. Affected: yes.
Comment: This variant was classified as: Pathogenic. The following ACMG criteria were applied in classifying this variant: PS3,Ps4-MOD,PM2,PP1-M,PP3.

GeneDx
Classification: Pathogenic. Last evaluated: 2019-10-28. Review status: criteria provided, single submitter. Criteria: GeneDx Variant Classification Process June 2021. Collection method: clinical testing. Allele origin: germline. Affected: yes.
Comment: Reported to segregate with disease in multiple families (Niimura et al., 1998; Richard et al., 2003; Ho et al., 2009; Zhao et al., 2017); Proposed as an Italian founder mutation (Girolami et al., 2006; Olivotto et al., 2008); Observed in 6/272910 global alleles in large population cohorts (Lek et al., 2016); Located in the last nucleotide position of exon 6, which is part of the splice donor site; Functional studies have demonstrated that the E258K variant leads to aberrant gene splicing of exon 6 (Andersen et al., 2004; Vignier et al., 2009; Helms et al., 2014); Additional studies suggest this variant may result in rapid protein degradation (Sarikas et al., 2005; Vignier et al., 2009) or, if abnormal protein is expressed, it may lead to altered protein interaction and contractile kinetics (De Lange et al., 2013); In silico analysis, which includes splice predictors and evolutionary conservation, supports a deleterious effect; Reported in ClinVar as pathogenic or likely pathogenic (ClinVar Variant ID 42792; Landrum et al., 2016); This variant is associated with the following publications: (PMID: 26671970, 30550750, 27532257, 23233322, 15114369, 29875424, 30165862, 28687478, 28679633, 30972196, 9562578, 19574547, 20359594, 18533079, 23283745, 22907696, 25031304, 23980194, 12951062, 26914223, 25971843, 21310275, 12707239, 15563892, 15519027, 23527136, 19590044, 15769446, 20031602, 22267749, 16858239, 28450932, 28790153, 29524613, 28916354, 12974739, 18957093, 27574918, 27267291, 27600940, 26869393, 25351510, 29447731, 30645170, 30446606, 31006259, 31737537, 31447099, 33673806, 33297573, 32686758)

Laboratory for Molecular Medicine, Mass General Brigham Personalized Medicine
Classification: Pathogenic for Hypertrophic cardiomyopathy. Last evaluated: 2019-05-14. Review status: criteria provided, single submitter. Criteria: LMM Criteria. Collection method: clinical testing. Allele origin: germline. Inheritance: Autosomal dominant inheritance. Observed: 67 variant alleles.
Comment: The p.Glu258Lys variant in MYBPC3 has been reported in multiple HCM probands and segregated in many additional affected family members (Girolami 2006, Marston 2009, Niimura 1998, Nanni 2003, Olivotto 2008, LMM data). This variant has also been reported by other clinical laboratories in ClinVar (Variation ID 42792) and has been identified in 4/124374 of European and in 2/23498 of African chromosomes by gnomAD. The p.Glu258Lys variant is located in the last base of exon 6, which is part of the 5â€™ splice region. Functional studies using patient RNA have shown that this alteration affects splicing, leading to skipping of exon 6, which is predicted to result in a frameshift, premature termination and therefore likely in a loss of function (Andersen 2004, Martson 2009). Heterozygous loss of function of the MYBPC3 gene is an established disease mechanism in autosomal dominant HCM. In summary, this variant meets criteria to be classified as pathogenic for autosomal dominant HCM based on case observations, segregation with disease, low frequency in the general population and observed impact on splicing. ACMG/AMP Criteria applied: PS4, PP1_Strong, PM2_Supporting, PS3_Moderate.

Human Genome Sequencing Center Clinical Lab, Baylor College of Medicine
Classification: Pathogenic for Familial hypertrophic cardiomyopathy 4. Last evaluated: 2018-10-02. Review status: criteria provided, single submitter. Criteria: ACMG Guidelines, 2015. Collection method: clinical testing. Allele origin: germline.
Comment: The c.772G>A (p.Glu258Lys) variant in the MYBPC3 gene has been reported in multiple unrelated individuals with hypertrophic cardiomyopathies (PMID: 9562578, 12707239, 15114369, 15563892, 16858239, 18533079, 23233322, 25031304). This variant has an extremely low frequency in large databases of genetic variation in the general population. mRNA studies demonstrated that this variant resulted in skipping of exon 6 (PMID: 15114369, 25031304). Therefore, this c.772G>A (p.Glu258Lys) variant in the MYBPC3 gene is classified as pathogenic.

Phosphorus, Inc.
Classification: Pathogenic for Hypertrophic cardiomyopathy 4. Last evaluated: 2017-08-01. Review status: criteria provided, single submitter. Criteria: ACMG Guidelines, 2015. Collection method: clinical testing. Allele origin: germline. Observed: 1 variant allele.

Center of Genomic medicine, Geneva, University Hospital of Geneva
Classification: Pathogenic for Hypertrophic cardiomyopathy 4. Last evaluated: 2017-05-09. Review status: criteria provided, single submitter. Criteria: ACMG Guidelines, 2015. Collection method: clinical testing. Allele origin: germline. Affected: yes.

Agnes Ginges Centre for Molecular Cardiology, Centenary Institute
Classification: Pathogenic for Hypertrophic cardiomyopathy 4. Last evaluated: 2017-03-21. Review status: criteria provided, single submitter. Criteria: ACMG Guidelines, 2015. Collection method: research. Allele origin: germline. Affected: yes.
Comment: The MYBPC3 Glu258Lys is a rare variant, with an allele frequency of 0.000039 in the Exome Aggregation Consortium dataset. This variant has been reported in multiple unrelated HCM patients (see references), and is observed to be shared in up to ~14% of unrelated HCM cases in Italian cohorts, suggesting a founder effect (Girolami et al, 2006; Olivotto et al, 2008). Segregation analyses support its pathogenic role (Niimura et al., 1998; Girolami et al., 2006). In silico tools (SIFT, PolyPhen-2, MutationTaster) predict this variant to be disease causing. Furthermore, this variant affects the splice site consensus sequence (last base of exon 6) and has been shown to result in truncated MYBPC3 protein due to exon skipping (Anderson et al., 2004; Sarikas et al., 2005; Helms AS, et al., 2014). Functional studies have shown that the truncated protein is incorporated into cardiac sarcomeres and impairs contractile function (De Lange et al., 2013). We have identified MYBPC3 Glu258Lys in 3 HCM probands. In summary, based on rarity in the general population, observation in multiple unrelated HCM cases and because loss of function is a mechanism of disease for MYBPC3, we classify this variant as "pathogenic".

Stanford Center for Inherited Cardiovascular Disease, Stanford University
Classification: Pathogenic. Last evaluated: 2015-10-28. Review status: criteria provided, single submitter. Criteria: ACMG Guidelines, 2015. Collection method: provider interpretation. Allele origin: germline.

Clinical Genetics DNA and cytogenetics Diagnostics Lab, Erasmus MC, Erasmus Medical Center
Classification: Pathogenic for Hypertrophic cardiomyopathy 4. Last evaluated: 2015-09-21. Review status: criteria provided, single submitter. Criteria: ACGS Guidelines, 2013. Collection method: clinical testing. Allele origin: germline. Affected: yes. Study: VKGL Data-share Consensus.

Eurofins Ntd Llc (ga)
Classification: Pathogenic. Last evaluated: 2015-04-03. Review status: criteria provided, single submitter. Criteria: EGL Classification Definitions 2015. Collection method: clinical testing. Allele origin: germline. Observed: 2 variant alleles, 2 heterozygotes.